The following is an entry in ClinVar:

NM_001365276.2(TNXB):c.3311_3328del (p.Gln1104_Gly1110delinsArg)

Gene: TNXB (tenascin XB; minus strand). Cytogenetic location: 6p21.33.
Variant type: Deletion.
Coding change: c.3311_3328del on transcript NM_001365276.2 (MANE Select); coding-DNA positions 3311 to 3328, 18 bases deleted (AGGTGGTGCCCGTGGAAG).
Protein change: p.Gln1104_Gly1110delinsArg.
Molecular consequence: inframe indel.
Genome position (GRCh38, 1-based): chr6:32,084,530-32,084,547, CTTCCACGGGCACCACCT deleted on the plus strand (AGGTGGTGCCCGTGGAAG on the coding strand, the reverse complement: TNXB is on the minus strand). VCF-style (leftmost placement, unchanged base first): chr6-32084529-CCTTCCACGGGCACCACCT-C. GRCh37 (hg19) VCF-style: chr6-32052306-CCTTCCACGGGCACCACCT-C.
Other names: c.4052_4069del, p.Gln1351_Gly1357delinsArg (NM_001428335.1); c.3311_3328del, p.Gln1104_Gly1110delinsArg (NM_019105.8); c.3311_3328del18 (NM_019105.8).
Identifiers: ClinVar variation 4535624 (VCV004535624.1).
Genomic context (GRCh38, chr6:32,084,529, plus strand): 5'-AGGACAAATTTGTACTTGCGGCCAGGATCCAGGGAGGTGATGACGGCCGAGCGCTGGGGT[CCTTCCACGGGCACCACCT>C]GGGGCTGCCCGTCCCTGTCTTTGTACTGGATCACGAAGGAGTCAAACTCGCCCTCGGGGA-3'

ClinVar aggregate classification (germline): Uncertain significance (1 of 4 stars; one submission).

Submission:

Women's Health and Genetics/Laboratory Corporation of America, LabCorp
Classification: Uncertain significance. Last evaluated: 2025-09-30. Review status: criteria provided, single submitter. Criteria: LabCorp Variant Classification Summary - May 2015. Collection method: clinical testing. Allele origin: germline.
Comment: Variant summary: TNXB c.3311_3328del18 (p.Gln1104_Gly1110delinsArg) results in an in-frame deletion-insertion that is predicted to delete 7 amino acids and insert one amino acid from the protein. The variant was absent in 244202 control chromosomes. The available data on variant occurrences in the general population are insufficient to allow any conclusion about variant significance. To our knowledge, no occurrence of c.3311_3328del18 in individuals affected with TNXB-related conditions and no experimental evidence demonstrating its impact on protein function have been reported. No submitters have cited clinical-significance assessments for this variant to ClinVar. Based on the evidence outlined above, the variant was classified as uncertain significance.